The following is an entry in ClinVar:

NM_032977.4(CASP10):c.448C>A (p.Leu150Ile)

Gene: CASP10 (caspase 10; plus strand). Cytogenetic location: 2q33.1.
Variant type: single nucleotide variant.
Coding change: c.448C>A on transcript NM_032977.4 (MANE Select); coding-DNA position 448, C replaced by A.
Protein change: p.Leu150Ile; replaces leucine 150 with isoleucine.
Molecular consequence: missense variant.
Genome position (GRCh38, 1-based): chr2:201,192,990, C>A. VCF-style: chr2-201192990-C-A. GRCh37 (hg19) VCF-style: chr2-202057713-C-A.
Other names: c.448C>A, p.Leu150Ile (NM_001206524.2, NM_001206542.2, NM_001230.5 and 3 more transcripts); short protein forms L150I.
Identifiers: ClinVar variation 2942108 (VCV002942108.3), dbSNP rs2469385130, ClinGen allele CA350278598.

ClinVar aggregate classification (germline): Uncertain significance (1 of 4 stars; one submission).

Conditions:
Autoimmune lymphoproliferative syndrome type 2A (ALPS2A). Also called: CASP10-Related Autoimmune Lymphoproliferative Syndrome; AUTOIMMUNE LYMPHOPROLIFERATIVE SYNDROME, TYPE IIA; Autoimmune lymphoproliferative syndrome type 2. Identifiers: Orphanet 3261, MedGen C1858968, MONDO:0011383, OMIM 603909.

Allele frequency attached by ClinVar (database versions not stated): gnomAD exomes below 0.00001.
gnomAD v4.1: 1 of 1,613,282 alleles (0.000062%); highest among the groups gnomAD compares: Non-Finnish European, 0.000085%; no homozygotes.

Submission:

Labcorp Genetics (formerly Invitae), Labcorp
Classification: Uncertain significance for Autoimmune lymphoproliferative syndrome type 2A. Last evaluated: 2023-10-03. Review status: criteria provided, single submitter. Criteria: Invitae Variant Classification Sherloc (09022015). Collection method: clinical testing. Allele origin: germline.
Comment: This sequence change replaces leucine, which is neutral and non-polar, with isoleucine, which is neutral and non-polar, at codon 150 of the CASP10 protein (p.Leu150Ile). This variant is not present in population databases (gnomAD no frequency). This variant has not been reported in the literature in individuals affected with CASP10-related conditions. Advanced modeling of protein sequence and biophysical properties (such as structural, functional, and spatial information, amino acid conservation, physicochemical variation, residue mobility, and thermodynamic stability) performed at Invitae indicates that this missense variant is not expected to disrupt CASP10 protein function. In summary, the available evidence is currently insufficient to determine the role of this variant in disease. Therefore, it has been classified as a Variant of Uncertain Significance.